The following is an entry in ClinVar:

ClinVar aggregate classification (germline): Uncertain significance (1 of 4 stars; one submission).

Conditions:
Cerebral cavernous malformation (CCM). Also called: CAVERNOUS ANGIOMA, FAMILIAL; CAVERNOUS ANGIOMATOUS MALFORMATIONS; CEREBRAL CAPILLARY MALFORMATIONS; Cavernous Hemangioma of Brain; Cerebral cavernous hemangioma (type); Cerebral cavernous malformations. Identifiers: Orphanet 221061, MedGen C2919945, MONDO:0000820, OMIM 116860, HP:0033522.

Allele frequency attached by ClinVar (database versions not stated): gnomAD 0.00001.
gnomAD v4.1: 5 of 1,608,506 alleles (0.00031%); highest among the groups gnomAD compares: Non-Finnish European, 0.00043%; no homozygotes.

Submission:

Labcorp Genetics (formerly Invitae), Labcorp
Classification: Uncertain significance for Cerebral cavernous malformation. Last evaluated: 2019-12-14. Review status: criteria provided, single submitter. Criteria: Invitae Variant Classification Sherloc (09022015). Collection method: clinical testing. Allele origin: germline.
Comment: In summary, the available evidence is currently insufficient to determine the role of this variant in disease. Therefore, it has been classified as a Variant of Uncertain Significance. Algorithms developed to predict the effect of sequence changes on RNA splicing suggest that this variant may create or strengthen a splice site, but this prediction has not been confirmed by published transcriptional studies. Algorithms developed to predict the effect of missense changes on protein structure and function (SIFT, PolyPhen-2, Align-GVGD) all suggest that this variant is likely to be disruptive, but these predictions have not been confirmed by published functional studies and their clinical significance is uncertain. This variant has not been reported in the literature in individuals with KRIT1-related conditions. This variant is not present in population databases (ExAC no frequency). This sequence change replaces leucine with glutamine at codon 99 of the KRIT1 protein (p.Leu99Gln). The leucine residue is highly conserved and there is a moderate physicochemical difference between leucine and glutamine.

NM_194454.3(KRIT1):c.296T>A (p.Leu99Gln)

Gene: KRIT1 (KRIT1 ankyrin repeat containing; minus strand). Cytogenetic location: 7q21.2.
Variant type: single nucleotide variant.
Coding change: c.296T>A on transcript NM_194454.3 (MANE Select); coding-DNA position 296, T replaced by A.
Protein change: p.Leu99Gln; replaces leucine 99 with glutamine.
Molecular consequence: missense variant. On other transcripts: 5 prime UTR variant (1).
Genome position (GRCh38, 1-based): chr7:92,237,726, A>T on the plus strand (T>A on the coding strand, the complement: KRIT1 is on the minus strand). VCF-style: chr7-92237726-A-T. GRCh37 (hg19) VCF-style: chr7-91867040-A-T.
Other names: c.296T>A, p.Leu99Gln (NM_001350685.1, NM_001350686.1, NM_001350683.1 and 29 more transcripts); c.-288T>A (NM_001350671.1); short protein forms L99Q.
Identifiers: ClinVar variation 856365 (VCV000856365.10), dbSNP rs1445866560, ClinGen allele CA368164574.